The following is an entry in ClinVar:

ClinVar aggregate classification (germline): Uncertain significance (1 of 4 stars; one submission).

gnomAD v4.1: 2 of 1,613,870 alleles (0.00012%); highest among the groups gnomAD compares: Non-Finnish European, 0.00017%; no homozygotes.

Submission:

GeneDx
Classification: Uncertain significance. Last evaluated: 2025-01-30. Review status: criteria provided, single submitter. Criteria: GeneDx Variant Classification Process June 2021. Collection method: clinical testing. Allele origin: germline. Affected: yes.
Comment: Not observed at significant frequency in large population cohorts (gnomAD); In silico analysis supports that this missense variant has a deleterious effect on protein structure/function; Has not been previously published as pathogenic or benign to our knowledge

NM_144991.3(TSPEAR):c.806T>A (p.Val269Glu)

Gene: TSPEAR (thrombospondin type laminin G domain and EAR repeats; minus strand). Cytogenetic location: 21q22.3.
Variant type: single nucleotide variant.
Coding change: c.806T>A on transcript NM_144991.3 (MANE Select); coding-DNA position 806, T replaced by A.
Protein change: p.Val269Glu; replaces valine 269 with glutamic acid.
Molecular consequence: missense variant.
Genome position (GRCh38, 1-based): chr21:44,528,568, A>T on the plus strand (T>A on the coding strand, the complement: TSPEAR is on the minus strand). VCF-style: chr21-44528568-A-T. GRCh37 (hg19) VCF-style: chr21-45948451-A-T.
Other names: c.602T>A, p.Val201Glu (NM_001272037.2); short protein forms V201E, V269E.
Identifiers: ClinVar variation 4072618 (VCV004072618.1).
Genomic context (GRCh38, chr21:44,528,568, plus strand): 5'-GCATCAAACCAGAACTGGGCGTCTTCCACCTCGGTACACGGTGGCTGGGGTCCCAGCGTC[A>T]CTCGAATGTTGGTTTCTGAGGGGAAGACCAGGAAGATGAGTTTCCAGCAAGCCAGTGCCC-3'
Protein context (NP_659428.2, residues 259-279): LKYPYETNIR[Val269Glu]TLGPQPPCTE